The following is an entry in ClinVar:

ClinVar aggregate classification (germline): Uncertain significance. Review status: criteria provided, multiple submitters, no conflicts (2 of 4 stars). 2 submissions from 2 submitters: Uncertain significance (2). Last evaluated 2025-06-12.

Conditions:
Ehlers-Danlos syndrome, dermatosparaxis type. Also called: Ehlers-Danlos syndrome, type VII, autosomal recessive; EDS VIIC; Dermatosparaxis. Identifiers: Orphanet 1901, MedGen C2700425, MONDO:0009161, OMIM 225410.

Allele frequency attached by ClinVar (database versions not stated): gnomAD exomes below 0.00001; TOPMed below 0.00001; gnomAD 0.00001; ExAC 0.00002.
gnomAD v4.1: 7 of 1,611,178 alleles (0.00043%); highest among the groups gnomAD compares: Non-Finnish European, 0.00059%; no homozygotes.

Submissions (2):

Mayo Clinic Laboratories, Mayo Clinic
Classification: Uncertain significance. Last evaluated: 2025-06-12. Review status: criteria provided, single submitter. Criteria: ACMG Guidelines, 2015. Collection method: clinical testing. Allele origin: germline. Observed: 1 variant allele.
Comment: BP4_moderate, PM2_supporting

Labcorp Genetics (formerly Invitae), Labcorp
Classification: Uncertain significance for Ehlers-Danlos syndrome, dermatosparaxis type. Last evaluated: 2022-06-01. Review status: criteria provided, single submitter. Criteria: Invitae Variant Classification Sherloc (09022015). Collection method: clinical testing. Allele origin: germline.
Comment: This sequence change replaces aspartic acid, which is acidic and polar, with asparagine, which is neutral and polar, at codon 234 of the ADAMTS2 protein (p.Asp234Asn). This variant is present in population databases (rs769388945, gnomAD 0.002%). This variant has not been reported in the literature in individuals affected with ADAMTS2-related conditions. Algorithms developed to predict the effect of missense changes on protein structure and function (SIFT, PolyPhen-2, Align-GVGD) all suggest that this variant is likely to be tolerated. In summary, the available evidence is currently insufficient to determine the role of this variant in disease. Therefore, it has been classified as a Variant of Uncertain Significance.

NM_014244.5(ADAMTS2):c.700G>A (p.Asp234Asn)

Gene: ADAMTS2 (ADAM metallopeptidase with thrombospondin type 1 motif 2; minus strand). Cytogenetic location: 5q35.3.
Variant type: single nucleotide variant.
Coding change: c.700G>A on transcript NM_014244.5 (MANE Select); coding-DNA position 700, G replaced by A.
Protein change: p.Asp234Asn; replaces aspartic acid 234 with asparagine.
Molecular consequence: missense variant.
Genome position (GRCh38, 1-based): chr5:179,207,704, C>T on the plus strand (G>A on the coding strand, the complement: ADAMTS2 is on the minus strand). VCF-style: chr5-179207704-C-T. GRCh37 (hg19) VCF-style: chr5-178634705-C-T.
Other names: p.Asp234Asn; c.700G>A, p.Asp234Asn (NM_021599.4); short protein forms D234N.
Identifiers: ClinVar variation 2094668 (VCV002094668.2), dbSNP rs769388945, ClinGen allele CA3596202.